The following is an entry in ClinVar:

NM_001042424.3(NSD2):c.4058G>A (p.Arg1353Gln)

Gene: NSD2 (nuclear receptor binding SET domain protein 2; plus strand). Cytogenetic location: 4p16.3.
Variant type: single nucleotide variant.
Coding change: c.4058G>A on transcript NM_001042424.3 (MANE Select); coding-DNA position 4058, G replaced by A.
Protein change: p.Arg1353Gln; replaces arginine 1353 with glutamine.
Molecular consequence: missense variant.
Genome position (GRCh38, 1-based): chr4:1,978,869, G>A. VCF-style: chr4-1978869-G-A. GRCh37 (hg19) VCF-style: chr4-1980596-G-A.
Other names: c.4058G>A, p.Arg1353Gln (NM_001440892.1, NM_133330.3, NM_133331.3 and 1 more transcripts); c.4157G>A, p.Arg1386Gln (NM_001440893.1); c.3941G>A, p.Arg1314Gln (NM_001440894.1); c.3911G>A, p.Arg1304Gln (NM_001440895.1); c.3857G>A, p.Arg1286Gln (NM_001440896.1); c.3851G>A, p.Arg1284Gln (NM_001440897.1); c.3734G>A, p.Arg1245Gln (NM_001440898.1); c.3089G>A, p.Arg1030Gln (NM_001440899.1, NM_001440900.1); short protein forms R1030Q, R1245Q, R1284Q, R1286Q, R1304Q, R1314Q, R1353Q, R1386Q.
Identifiers: ClinVar variation 4688435 (VCV004688435.1).

ClinVar aggregate classification (germline): Uncertain significance (1 of 4 stars; one submission).

gnomAD v4.1: 2 of 1,592,038 alleles (0.00013%); highest among the groups gnomAD compares: African/African-American, 0.0013%; no homozygotes.

Submission:

Women's Health and Genetics/Laboratory Corporation of America, LabCorp
Classification: Uncertain significance. Last evaluated: 2025-12-10. Review status: criteria provided, single submitter. Criteria: LabCorp Variant Classification Summary - May 2015. Collection method: clinical testing. Allele origin: germline.
Comment: Variant summary: NSD2 c.4058G>A (p.Arg1353Gln) results in a conservative amino acid change in the encoded protein sequence. Algorithms developed to predict the effect of missense changes on protein structure and function are either unavailable or do not agree on the potential impact of this missense change. The variant was absent in 231908 control chromosomes. The available data on variant occurrences in the general population are insufficient to allow any conclusion about variant significance. To our knowledge, no occurrence of c.4058G>A in individuals affected with NSD2-related conditions and no experimental evidence demonstrating its impact on protein function have been reported. No submitters have cited clinical-significance assessments for this variant to ClinVar. Based on the evidence outlined above, the variant was classified as uncertain significance.